The following is an entry in ClinVar:

ClinVar aggregate classification (germline): Uncertain significance. Review status: criteria provided, multiple submitters, no conflicts (2 of 4 stars). 2 submissions from 2 submitters: Uncertain significance (2). Last evaluated 2025-12-16.

Allele frequency attached by ClinVar (database versions not stated): TOPMed below 0.00001; gnomAD exomes 0.00001 and 0.00005; gnomAD 0.00003; ExAC 0.00006; 1000 Genomes Project 30x 0.00016; 1000 Genomes Project 0.00020.
gnomAD v4.1: 27 of 1,613,948 alleles (0.0017%); highest among the groups gnomAD compares: East Asian, 0.02%; no homozygotes.

Submissions (2):

Ambry Genetics
Classification: Uncertain significance. Last evaluated: 2025-12-16. Review status: criteria provided, single submitter. Criteria: Ambry Variant Classification Scheme 2023. Collection method: clinical testing. Allele origin: germline.

Labcorp Genetics (formerly Invitae), Labcorp
Classification: Uncertain significance. Last evaluated: 2021-11-15. Review status: criteria provided, single submitter. Criteria: Invitae Variant Classification Sherloc (09022015). Collection method: clinical testing. Allele origin: germline.
Comment: In summary, the available evidence is currently insufficient to determine the role of this variant in disease. Therefore, it has been classified as a Variant of Uncertain Significance. Algorithms developed to predict the effect of missense changes on protein structure and function (SIFT, PolyPhen-2, Align-GVGD) all suggest that this variant is likely to be tolerated. This variant has not been reported in the literature in individuals affected with NUP205-related conditions. This variant is present in population databases (rs571627058, gnomAD 0.03%). This sequence change replaces isoleucine, which is neutral and non-polar, with methionine, which is neutral and non-polar, at codon 193 of the NUP205 protein (p.Ile193Met).

NM_015135.3(NUP205):c.579T>G (p.Ile193Met)

Gene: NUP205 (nucleoporin 205; plus strand). Cytogenetic location: 7q33.
Variant type: single nucleotide variant.
Coding change: c.579T>G on transcript NM_015135.3 (MANE Select); coding-DNA position 579, T replaced by G.
Protein change: p.Ile193Met; replaces isoleucine 193 with methionine.
Molecular consequence: missense variant. On other transcripts: 5 prime UTR variant (1).
Genome position (GRCh38, 1-based): chr7:135,577,059, T>G. VCF-style: chr7-135577059-T-G. GRCh37 (hg19) VCF-style: chr7-135261807-T-G.
Other names: c.-507T>G (NM_001329434.2); c.579T>G (NM_015135.2); short protein forms I193M.
Identifiers: ClinVar variation 1520689 (VCV001520689.8), dbSNP rs571627058, ClinGen allele CA4497889.